The following is an entry in ClinVar:

ClinVar aggregate classification (germline): Uncertain significance (1 of 4 stars; one submission).

Conditions:
Epidermolysis bullosa simplex with nail dystrophy (EBS5D). Identifiers: MedGen C4225309, MONDO:0014661, OMIM 616487.
Epidermolysis bullosa simplex, Ogna type (EBS5A). Also called: Pidermolysis bullosa simplex 5A, Ogna type; EPIDERMOLYSIS BULLOSA SIMPLEX 5A, OGNA TYPE. Identifiers: Orphanet 79401, MedGen C0432317, MONDO:0007555, OMIM 131950.
Autosomal recessive limb-girdle muscular dystrophy type 2Q (LGMDR17). Also called: MUSCULAR DYSTROPHY, LIMB-GIRDLE, AUTOSOMAL RECESSIVE 17. Identifiers: Orphanet 254361, MedGen C3150989, MONDO:0013390, OMIM 613723.
Epidermolysis bullosa simplex 5B, with muscular dystrophy (EBS5B). Also called: EPIDERMOLYSIS BULLOSA SIMPLEX AND LIMB-GIRDLE MUSCULAR DYSTROPHY; Epidermolysis bullosa simplex with muscular dystrophy. Identifiers: Orphanet 257, MedGen C2931072, MONDO:0009181, OMIM 226670.
Epidermolysis bullosa simplex 5C, with pyloric atresia (EBS5C). Also called: PLEC-Related Epidermolysis Bullosa with Pyloric Atresia; Epidermolysis bullosa simplex with pyloric atresia; PLEC1-Related Epidermolysis Bullosa with Pyloric Atresia. Identifiers: Orphanet 158684, MedGen C2677349, MONDO:0012807, OMIM 612138.

gnomAD v4.1: 2 of 1,610,000 alleles (0.00012%); no homozygotes.

Submission:

Labcorp Genetics (formerly Invitae), Labcorp
Classification: Uncertain significance for Autosomal recessive limb-girdle muscular dystrophy type 2Q; Epidermolysis bullosa simplex, Ogna type; Epidermolysis bullosa simplex with nail dystrophy; Epidermolysis bullosa simplex 5C, with pyloric atresia; Epidermolysis bullosa simplex 5B, with muscular dystrophy. Last evaluated: 2024-09-29. Review status: criteria provided, single submitter. Criteria: Invitae Variant Classification Sherloc (09022015). Collection method: clinical testing. Allele origin: germline.
Comment: This sequence change replaces glutamic acid, which is acidic and polar, with glycine, which is neutral and non-polar, at codon 2316 of the PLEC protein (p.Glu2316Gly). This variant is not present in population databases (gnomAD no frequency). This variant has not been reported in the literature in individuals affected with PLEC-related conditions. An algorithm developed to predict the effect of missense changes on protein structure and function (PolyPhen-2) suggests that this variant is likely to be disruptive. In summary, the available evidence is currently insufficient to determine the role of this variant in disease. Therefore, it has been classified as a Variant of Uncertain Significance.

NM_201384.3(PLEC):c.6866A>G (p.Glu2289Gly)

Gene: PLEC (plectin; minus strand). Cytogenetic location: 8q24.3.
Variant type: single nucleotide variant.
Coding change: c.6866A>G on transcript NM_201384.3 (MANE Select); coding-DNA position 6866, A replaced by G.
Protein change: p.Glu2289Gly; replaces glutamic acid 2289 with glycine.
Molecular consequence: missense variant. On other transcripts: intron variant (1).
Genome position (GRCh38, 1-based): chr8:143,923,063, T>C on the plus strand (A>G on the coding strand, the complement: PLEC is on the minus strand). VCF-style: chr8-143923063-T-C. GRCh37 (hg19) VCF-style: chr8-144997231-T-C.
Other names: c.6947A>G, p.Glu2316Gly (NM_000445.5); c.6824A>G, p.Glu2275Gly (NM_201378.4); c.6800A>G, p.Glu2267Gly (NM_201379.3); c.7277A>G, p.Glu2426Gly (NM_201380.4); c.6770A>G, p.Glu2257Gly (NM_201381.3); c.6866A>G, p.Glu2289Gly (NM_201382.4); c.6878A>G, p.Glu2293Gly (NM_201383.3); c.4126-668A>G (NM_001410941.1); short protein forms E2257G, E2267G, E2275G, E2289G, E2293G, E2316G, E2426G.
Identifiers: ClinVar variation 3758455 (VCV003758455.2).